The following is an entry in ClinVar:

NM_032119.4(ADGRV1):c.16010G>C (p.Gly5337Ala)

Gene: ADGRV1 (adhesion G protein-coupled receptor V1; plus strand). Cytogenetic location: 5q14.3.
Variant type: single nucleotide variant.
Coding change: c.16010G>C on transcript NM_032119.4 (MANE Select); coding-DNA position 16010, G replaced by C.
Protein change: p.Gly5337Ala; replaces glycine 5337 with alanine.
Molecular consequence: missense variant. On other transcripts: non-coding transcript variant (1).
Genome position (GRCh38, 1-based): chr5:90,811,270, G>C. VCF-style: chr5-90811270-G-C. GRCh37 (hg19) VCF-style: chr5-90107087-G-C.
Other names: short protein forms G5337A.
Identifiers: ClinVar variation 1002618 (VCV001002618.8), dbSNP rs1475775451, ClinGen allele CA360411507.

ClinVar aggregate classification (germline): Uncertain significance (1 of 4 stars; one submission).

Submission:

Labcorp Genetics (formerly Invitae), Labcorp
Classification: Uncertain significance. Last evaluated: 2020-09-23. Review status: criteria provided, single submitter. Criteria: Invitae Variant Classification Sherloc (09022015). Collection method: clinical testing. Allele origin: germline.
Comment: This sequence change replaces glycine with alanine at codon 5337 of the ADGRV1 protein (p.Gly5337Ala). The glycine residue is highly conserved and there is a small physicochemical difference between glycine and alanine. In summary, the available evidence is currently insufficient to determine the role of this variant in disease. Therefore, it has been classified as a Variant of Uncertain Significance. Algorithms developed to predict the effect of missense changes on protein structure and function are either unavailable or do not agree on the potential impact of this missense change (SIFT: "Deleterious"; PolyPhen-2: "Benign"; Align-GVGD: "Class C0"). This variant has not been reported in the literature in individuals with ADGRV1-related conditions. This variant is not present in population databases (ExAC no frequency).